The following is an entry in ClinVar:

ClinVar aggregate classification (germline): Uncertain significance (1 of 4 stars; one submission).

Conditions:
Propionic acidemia (PROP). Also called: GLYCINEMIA, KETOTIC; HYPERGLYCINEMIA WITH KETOACIDOSIS AND LEUKOPENIA; KETOTIC HYPERGLYCINEMIA. Identifiers: Orphanet 35, MedGen C0268579, MONDO:0011628, OMIM 606054, HP:0003571.

Submission:

Labcorp Genetics (formerly Invitae), Labcorp
Classification: Uncertain significance for Propionic acidemia. Last evaluated: 2022-08-20. Review status: criteria provided, single submitter. Criteria: Invitae Variant Classification Sherloc (09022015). Collection method: clinical testing. Allele origin: germline.
Comment: In summary, the available evidence is currently insufficient to determine the role of this variant in disease. Therefore, it has been classified as a Variant of Uncertain Significance. Experimental studies and prediction algorithms are not available or were not evaluated, and the functional significance of this variant is currently unknown. This variant has not been reported in the literature in individuals affected with PCCB-related conditions. This variant is not present in population databases (gnomAD no frequency). This sequence change results in a frameshift in the PCCB gene (p.Ile537Serfs*36). While this is not anticipated to result in nonsense mediated decay, it is expected to disrupt the last 3 amino acid(s) of the PCCB protein and extend the protein by 32 additional amino acid residues.

NM_000532.5(PCCB):c.1609_1610del (p.Ile537fs)

Gene: PCCB (propionyl-CoA carboxylase subunit beta; plus strand). Cytogenetic location: 3q22.3.
Variant type: Microsatellite.
Coding change: c.1609_1610del on transcript NM_000532.5 (MANE Select); coding-DNA positions 1609 to 1610, 2 bases deleted (AT; older notation c.1609_1610delAT).
Protein change: p.Ile537fs; shifts the reading frame from isoleucine 537.
Molecular consequence: frameshift variant.
Genome position (GRCh38, 1-based): chr3:136,330,015-136,330,016, AT deleted; deleting any 2 consecutive bases within chr3:136,330,013-136,330,016 gives the same sequence; the c. name uses the placement nearest the transcript's 3' end. VCF-style (leftmost placement, unchanged base first): chr3-136330012-AAT-A. GRCh37 (hg19) VCF-style: chr3-136048854-AAT-A.
Other names: c.1669_1670del, p.Ile557fs (NM_001178014.2); short protein forms I557fs, I537fs.
Identifiers: ClinVar variation 1978217 (VCV001978217.5), dbSNP rs2529980629, ClinGen allele CA2580615977.